The following is an entry in ClinVar:

NC_000014.8:g.(?_104040424)_(104040527_?)del

Gene: COA8 (cytochrome c oxidase assembly factor 8; plus strand). Cytogenetic location: 14q32.33.
Variant type: Deletion.
Identifiers: ClinVar variation 2427029 (VCV002427029.4).

ClinVar aggregate classification (germline): Pathogenic (1 of 4 stars; one submission).

Submission:

Labcorp Genetics (formerly Invitae), Labcorp
Classification: Pathogenic. Last evaluated: 2022-07-03. Review status: criteria provided, single submitter. Criteria: Invitae Variant Classification Sherloc (09022015). Collection method: clinical testing. Allele origin: germline.
Comment: A similar copy number variant has been observed in individual(s) with APOPT1-related conditions (PMID: 25175347). For these reasons, this variant has been classified as Pathogenic. This variant is a gross deletion of the genomic region encompassing exon(s) 3 of the APOPT1 gene. This deletion is out-of-frame, and is expected to create a premature termination codon and result in an absent or disrupted protein product. Loss-of-function variants in APOPT1 are known to be pathogenic (PMID: 25175347).

Literature cited by the submitters: PubMed 25175347.